The following is an entry in ClinVar:

NM_176787.5(PIGN):c.49G>A (p.Ala17Thr)

Gene: PIGN (phosphatidylinositol glycan anchor biosynthesis class N; minus strand). Cytogenetic location: 18q21.33.
Variant type: single nucleotide variant.
Coding change: c.49G>A on transcript NM_176787.5 (MANE Select); coding-DNA position 49, G replaced by A.
Protein change: p.Ala17Thr; replaces alanine 17 with threonine.
Molecular consequence: missense variant.
Genome position (GRCh38, 1-based): chr18:62,161,305, C>T on the plus strand (G>A on the coding strand, the complement: PIGN is on the minus strand). VCF-style: chr18-62161305-C-T. GRCh37 (hg19) VCF-style: chr18-59828538-C-T.
Other names: c.49G>A, p.Ala17Thr (NM_012327.6); short protein forms A17T.
Identifiers: ClinVar variation 2920964 (VCV002920964.3), dbSNP rs373378832, ClinGen allele CA8982667.

ClinVar aggregate classification (germline): Uncertain significance. Review status: criteria provided, multiple submitters, no conflicts (2 of 4 stars). 3 submissions from 3 submitters: Uncertain significance (3). Last evaluated 2025-03-17.

Conditions:
Multiple congenital anomalies-hypotonia-seizures syndrome 1 (MCAHS1). Also called: GLYCOSYLPHOSPHATIDYLINOSITOL BIOSYNTHESIS DEFECT 3; PIGN-CDG; Congenital disorder of glycosylation due to PIGN deficiency. Identifiers: Orphanet 280633, MedGen C3279775, MONDO:0013563, OMIM 614080.

Allele frequency attached by ClinVar (database versions not stated): ExAC 0.00004; ESP Exome Variant Server 0.00008.
gnomAD v4.1: 15 of 1,612,980 alleles (0.00093%); highest among the groups gnomAD compares: Middle Eastern, 0.016%; no homozygotes.

Submissions (3):

Labcorp Genetics (formerly Invitae), Labcorp
Classification: Uncertain significance for Multiple congenital anomalies-hypotonia-seizures syndrome 1. Last evaluated: 2025-03-17. Review status: criteria provided, single submitter. Criteria: Invitae Variant Classification Sherloc (09022015). Collection method: clinical testing. Allele origin: germline.
Comment: This sequence change replaces alanine, which is neutral and non-polar, with threonine, which is neutral and polar, at codon 17 of the PIGN protein (p.Ala17Thr). This variant is present in population databases (rs373378832, gnomAD 0.01%). This variant has not been reported in the literature in individuals affected with PIGN-related conditions. ClinVar contains an entry for this variant (Variation ID: 2920964). Invitae Evidence Modeling of protein sequence and biophysical properties (such as structural, functional, and spatial information, amino acid conservation, physicochemical variation, residue mobility, and thermodynamic stability) indicates that this missense variant is not expected to disrupt PIGN protein function with a negative predictive value of 80%. In summary, the available evidence is currently insufficient to determine the role of this variant in disease. Therefore, it has been classified as a Variant of Uncertain Significance.

Blueprint Genetics
Classification: Uncertain significance. Last evaluated: 2023-11-30. Review status: criteria provided, single submitter. Criteria: ACMG Guidelines, 2015. Collection method: clinical testing. Allele origin: germline.

ARUP Laboratories, Molecular Genetics and Genomics, ARUP Laboratories
Classification: Uncertain significance for Multiple congenital anomalies-hypotonia-seizures syndrome 1. Last evaluated: 2023-11-03. Review status: criteria provided, single submitter. Criteria: ARUP Molecular Germline Variant Investigation Process 2024. Collection method: clinical testing. Allele origin: germline.